The following is an entry in ClinVar:

NM_001282534.2(KCNK9):c.364C>G (p.Leu122Val)

Gene: KCNK9 (potassium two pore domain channel subfamily K member 9; minus strand). Cytogenetic location: 8q24.3.
Variant type: single nucleotide variant.
Coding change: c.364C>G on transcript NM_001282534.2 (MANE Select); coding-DNA position 364, C replaced by G.
Protein change: p.Leu122Val; replaces leucine 122 with valine.
Molecular consequence: missense variant. On other transcripts: non-coding transcript variant (1).
Genome position (GRCh38, 1-based): chr8:139,619,019, G>C on the plus strand (C>G on the coding strand, the complement: KCNK9 is on the minus strand). VCF-style: chr8-139619019-G-C. GRCh37 (hg19) VCF-style: chr8-140631262-G-C.
Other names: c.364C>G, p.Leu122Val (NM_016601.2); short protein forms L122V.
Identifiers: ClinVar variation 2662692 (VCV002662692.2), dbSNP rs2488486876, ClinGen allele CA372734801.

ClinVar aggregate classification (germline): Uncertain significance (1 of 4 stars; one submission).

Submission:

GeneDx
Classification: Uncertain significance. Last evaluated: 2024-12-16. Review status: criteria provided, single submitter. Criteria: GeneDx Variant Classification Process June 2021. Collection method: clinical testing. Allele origin: germline.
Comment: Not observed at significant frequency in large population cohorts (gnomAD); In silico analysis supports that this missense variant has a deleterious effect on protein structure/function; Has not been previously published as pathogenic or benign to our knowledge; This variant is associated with the following publications: (PMID: 28325748)